The following is an entry in ClinVar:

NM_014875.3(KIF14):c.1979+2C>T

Gene: KIF14 (kinesin family member 14; minus strand). Cytogenetic location: 1q32.1.
Variant type: single nucleotide variant.
Coding change: c.1979+2C>T on transcript NM_014875.3 (MANE Select); the canonical splice donor site of the intron after coding-DNA position 1979, C replaced by T.
Molecular consequence: splice donor variant.
Genome position (GRCh38, 1-based): chr1:200,603,224, G>A on the plus strand (C>T on the coding strand, the complement: KIF14 is on the minus strand). VCF-style: chr1-200603224-G-A. GRCh37 (hg19) VCF-style: chr1-200572352-G-A.
Other names: c.506+2C>T (NM_001305792.1).
Identifiers: ClinVar variation 1805932 (VCV001805932.1), dbSNP rs1558083294, ClinGen allele CA344160705.

ClinVar aggregate classification (germline): Uncertain significance (1 of 4 stars; one submission).

Conditions:
Microcephaly 20, primary, autosomal recessive. Identifiers: MedGen C4693572, MONDO:0054761, OMIM 617914.

gnomAD v4.1: 1 of 1,519,338 alleles (0.000066%); no homozygotes.

Submission:

Victorian Clinical Genetics Services, Murdoch Childrens Research Institute
Classification: Uncertain significance for Microcephaly 20, primary, autosomal recessive. Last evaluated: 2022-09-02. Review status: criteria provided, single submitter. Criteria: ACMG Guidelines, 2015. Collection method: clinical testing. Allele origin: germline. Inheritance: Autosomal recessive inheritance. Affected: yes.
Comment: Based on the classification scheme VCGS_Germline_v1.3.4, this variant is classified as VUS-3A. Following criteria are met: 0102 - Loss of function is a known mechanism of disease in this gene and is associated with microcephaly 20, primary, autosomal recessive (MIM#617914). (I) 0106 - This gene is associated with autosomal recessive disease. (I) 0211 - Canonical splice site variant without proven consequence on splicing (no functional evidence available). (SP) 0251 - This variant is heterozygous. (I) 0304 - Variant is present in gnomAD <0.01 for a recessive condition (v2: 1 heterozygote, 0 homozygotes). (SP) 0508 - In silico predictions for abnormal splicing are conflicting. (I) 0705 - No comparable canonical splice site variants have previous evidence for pathogenicity. (I) 0807 - This variant has no previous evidence of pathogenicity. (I) 0905 - No published segregation evidence has been identified for this variant. (I) 1007 - No published functional evidence has been identified for this variant. (I) Legend: (SP) - Supporting pathogenic, (I) - Information, (SB) - Supporting benign